The following is an entry in ClinVar:

ClinVar aggregate classification (germline): Benign/Likely benign. Review status: criteria provided, multiple submitters, no conflicts (2 of 4 stars). 4 submissions from 4 submitters: Benign (3); Likely benign (1). Last evaluated 2026-01-19.

Conditions:
Charcot-Marie-Tooth disease dominant intermediate E. Also called: CHARCOT-MARIE-TOOTH NEUROPATHY WITH FOCAL SEGMENTAL GLOMERULONEPHRITIS. Identifiers: Orphanet 93114, MedGen C4302667, MONDO:0013758, OMIM 614455.
Focal segmental glomerulosclerosis 5 (FSGS5). Identifiers: Orphanet 656, MedGen C2750475, MONDO:0013191, OMIM 613237.

Allele frequency attached by ClinVar (database versions not stated): gnomAD exomes 0.00036; ExAC 0.00056; ESP Exome Variant Server 0.00148; gnomAD 0.00150; TOPMed 0.00166; 1000 Genomes Project 30x 0.00187; 1000 Genomes Project 0.00220.
gnomAD v4.1: 434 of 1,604,876 alleles (0.027%); highest among the groups gnomAD compares: African/African-American, 0.48%; no homozygotes.

Submissions (4):

Labcorp Genetics (formerly Invitae), Labcorp
Classification: Benign for Charcot-Marie-Tooth disease dominant intermediate E; Focal segmental glomerulosclerosis 5. Last evaluated: 2026-01-19. Review status: criteria provided, single submitter. Criteria: Invitae Variant Classification Sherloc (09022015). Collection method: clinical testing. Allele origin: germline.

CeGaT Center for Human Genetics Tuebingen
Classification: Likely benign. Last evaluated: 2023-04-01. Review status: criteria provided, single submitter. Criteria: CeGaT Center For Human Genetics Tuebingen Variant Classification Criteria Version 2. Collection method: clinical testing. Allele origin: germline. Affected: yes. Observed: 1 variant allele.
Comment: INF2: BP4, BS1

Mayo Clinic Laboratories, Mayo Clinic
Classification: Benign. Last evaluated: 2022-06-03. Review status: criteria provided, single submitter. Criteria: ACMG Guidelines, 2015. Collection method: clinical testing. Allele origin: germline. Observed: 3 variant alleles.
Comment: BS1, BS2

GeneDx
Classification: Benign. Last evaluated: 2018-04-25. Review status: criteria provided, single submitter. Criteria: GeneDx Variant Classification (06012015). Collection method: clinical testing. Allele origin: germline. Affected: yes.
Comment: This variant is considered likely benign or benign based on one or more of the following criteria: it is a conservative change, it occurs at a poorly conserved position in the protein, it is predicted to be benign by multiple in silico algorithms, and/or has population frequency not consistent with disease.

NM_022489.4(INF2):c.3244G>T (p.Ala1082Ser)

Gene: INF2 (inverted formin 2; plus strand). Cytogenetic location: 14q32.33.
Variant type: single nucleotide variant.
Coding change: c.3244G>T on transcript NM_022489.4 (MANE Select); coding-DNA position 3244, G replaced by T.
Protein change: p.Ala1082Ser; replaces alanine 1082 with serine.
Molecular consequence: missense variant.
Genome position (GRCh38, 1-based): chr14:104,714,406, G>T. VCF-style: chr14-104714406-G-T. GRCh37 (hg19) VCF-style: chr14-105180743-G-T.
Other names: p.Ala1082Ser; c.3244G>T, p.Ala1082Ser (NM_001031714.4); short protein forms A1082S.
Identifiers: ClinVar variation 472852 (VCV000472852.37), dbSNP rs143540449, ClinGen allele CA7373213.